The following is an entry in ClinVar:

NM_004924.6(ACTN4):c.912+1G>A

Gene: ACTN4 (actinin alpha 4; plus strand). Cytogenetic location: 19q13.2.
Variant type: single nucleotide variant.
Coding change: c.912+1G>A on transcript NM_004924.6 (MANE Select); the canonical splice donor site of the intron after coding-DNA position 912, G replaced by A.
Molecular consequence: splice donor variant.
Genome position (GRCh38, 1-based): chr19:38,714,562, G>A. VCF-style: chr19-38714562-G-A. GRCh37 (hg19) VCF-style: chr19-39205202-G-A.
Other names: c.912+1G>A (NM_001411143.1, NM_001322033.2).
Identifiers: ClinVar variation 2895450 (VCV002895450.4), dbSNP rs2515246065, ClinGen allele CA405701260.
Genomic context (GRCh38, chr19:38,714,562, plus strand): 5'-CTGGCTGTCAACCAAGAGAACGAGCACCTGATGGAGGACTACGAGAAGCTGGCCAGCGAC[G>A]TGAGTGTTCCCCCAGTGAAAGTCAGGGCCACCTCATTATCCTCAGCCAGAGGTCACTGTG-3'

ClinVar aggregate classification (germline): Uncertain significance (1 of 4 stars; one submission).

Submissions (2):

Labcorp Genetics (formerly Invitae), Labcorp
Classification: Uncertain significance. Last evaluated: 2023-05-09. Review status: criteria provided, single submitter. Criteria: Invitae Variant Classification Sherloc (09022015). Collection method: clinical testing. Allele origin: germline.
Comment: This sequence change affects a donor splice site in intron 9 of the ACTN4 gene. It is expected to disrupt RNA splicing. Variants that disrupt the donor or acceptor splice site typically lead to a loss of protein function (PMID: 16199547), however the current clinical and genetic evidence is not sufficient to establish whether loss-of-function variants in ACTN4 cause disease. This variant is not present in population databases (gnomAD no frequency). Disruption of this splice site has been observed in individuals with focal segmental glomerulosclerosis (PMID: 31937884; Invitae). Algorithms developed to predict the effect of sequence changes on RNA splicing suggest that this variant may disrupt the consensus splice site. In summary, the available evidence is currently insufficient to determine the role of this variant in disease. Therefore, it has been classified as a Variant of Uncertain Significance.

Dr. Peter K. Rogan Lab, Western University
No classification provided (evidence only). Condition: Colon adenocarcinoma. Review status: no classification provided. Collection method: in vitro. Allele origin: not applicable. Functional consequence: skipped exon, retained intron. Not counted in ClinVar's aggregate classification.

Literature cited by the submitters: PubMed 16199547 (cited by Labcorp Genetics (formerly Invitae), Labcorp); PubMed 31937884 (cited by Labcorp Genetics (formerly Invitae), Labcorp).